The following is an entry in ClinVar:

ClinVar aggregate classification (germline): Uncertain significance (1 of 4 stars; one submission).

Conditions:
Hereditary cancer-predisposing syndrome. Also called: Hereditary neoplastic syndrome; Neoplastic Syndromes, Hereditary; Tumor predisposition; Hereditary Cancer Syndrome. Identifiers: Orphanet 140162, MedGen C0027672, MeSH D009386, MONDO:0015356.

Submission:

Ambry Genetics
Classification: Uncertain significance for Hereditary cancer-predisposing syndrome. Last evaluated: 2025-01-22. Review status: criteria provided, single submitter. Criteria: Ambry Variant Classification Scheme 2023. Collection method: clinical testing. Allele origin: germline.
Comment: The p.E605K variant (also known as c.1813G>A), located in coding exon 14 of the BAP1 gene, results from a G to A substitution at nucleotide position 1813. The glutamic acid at codon 605 is replaced by lysine, an amino acid with similar properties. This amino acid position is conserved. In addition, the in silico prediction for this alteration is inconclusive. Based on the available evidence, the clinical significance of this variant remains unclear.

NM_004656.4(BAP1):c.1813G>A (p.Glu605Lys)

Gene: BAP1 (BRCA1 associated deubiquitinase 1; minus strand). Cytogenetic location: 3p21.1.
Variant type: single nucleotide variant.
Coding change: c.1813G>A on transcript NM_004656.4 (MANE Select); coding-DNA position 1813, G replaced by A.
Protein change: p.Glu605Lys; replaces glutamic acid 605 with lysine.
Molecular consequence: missense variant.
Genome position (GRCh38, 1-based): chr3:52,403,215, C>T on the plus strand (G>A on the coding strand, the complement: BAP1 is on the minus strand). VCF-style: chr3-52403215-C-T. GRCh37 (hg19) VCF-style: chr3-52437231-C-T.
Other names: c.1759G>A, p.Glu587Lys (NM_001410772.1); short protein forms E605K, E587K.
Identifiers: ClinVar variation 3819075 (VCV003819075.1).